The following is an entry in ClinVar:

ClinVar aggregate classification (germline): Uncertain significance (1 of 4 stars; one submission).

Conditions:
Hereditary breast ovarian cancer syndrome. Also called: Hereditary breast and ovarian cancer syndrome; Hereditary breast and/or ovarian cancer syndrome; BRCA1- and BRCA2-Associated Hereditary Breast and Ovarian Cancer; Hereditary breast and ovarian cancer syndrome (HBOC); Hereditary breast and ovarian cancer; Breast and ovarian cancer. Identifiers: Orphanet 145, MedGen C0677776, MeSH D061325, MONDO:0003582. Disease mechanism: loss of function.

Submission:

Labcorp Genetics (formerly Invitae), Labcorp
Classification: Uncertain significance for Hereditary breast ovarian cancer syndrome. Last evaluated: 2023-05-12. Review status: criteria provided, single submitter. Criteria: Invitae Variant Classification Sherloc (09022015). Collection method: clinical testing. Allele origin: germline.
Comment: In summary, the available evidence is currently insufficient to determine the role of this variant in disease. Therefore, it has been classified as a Variant of Uncertain Significance. Advanced modeling of protein sequence and biophysical properties (such as structural, functional, and spatial information, amino acid conservation, physicochemical variation, residue mobility, and thermodynamic stability) performed at Invitae indicates that this missense variant is not expected to disrupt BRCA2 protein function. This variant has not been reported in the literature in individuals affected with BRCA2-related conditions. This variant is not present in population databases (gnomAD no frequency). This sequence change replaces arginine, which is basic and polar, with threonine, which is neutral and polar, at codon 3302 of the BRCA2 protein (p.Arg3302Thr).

NM_000059.4(BRCA2):c.9905G>C (p.Arg3302Thr)

Gene: BRCA2 (BRCA2 DNA repair associated; plus strand). Cytogenetic location: 13q13.1.
Variant type: single nucleotide variant.
Coding change: c.9905G>C on transcript NM_000059.4 (MANE Select); coding-DNA position 9905, G replaced by C.
Protein change: p.Arg3302Thr; replaces arginine 3302 with threonine.
Molecular consequence: missense variant. On other transcripts: non-coding transcript variant (1).
Genome position (GRCh38, 1-based): chr13:32,398,418, G>C. VCF-style: chr13-32398418-G-C. GRCh37 (hg19) VCF-style: chr13-32972555-G-C.
Other names: c.9809G>C, p.Arg3270Thr (NM_001406719.1); c.9854G>C, p.Arg3285Thr (NM_001406720.1); c.4973G>C, p.Arg1658Thr (NM_001406721.1); c.3488G>C, p.Arg1163Thr (NM_001406722.1); short protein forms R3285T, R1163T, R1658T, R3270T, R3302T.
Identifiers: ClinVar variation 2862499 (VCV002862499.3), dbSNP rs80359249, ClinGen allele CA387766942.